The following is an entry in ClinVar:

ClinVar aggregate classification (germline): Uncertain significance (1 of 4 stars; one submission).

Allele frequency attached by ClinVar (database versions not stated): gnomAD exomes below 0.00001; TOPMed below 0.00001; ExAC 0.00001; gnomAD 0.00001.
gnomAD v4.1: 4 of 1,614,130 alleles (0.00025%); highest among the groups gnomAD compares: East Asian, 0.0022%; no homozygotes.

Submission:

Labcorp Genetics (formerly Invitae), Labcorp
Classification: Uncertain significance. Last evaluated: 2022-07-19. Review status: criteria provided, single submitter. Criteria: Invitae Variant Classification Sherloc (09022015). Collection method: clinical testing. Allele origin: germline.
Comment: This sequence change replaces proline, which is neutral and non-polar, with serine, which is neutral and polar, at codon 338 of the MCM2 protein (p.Pro338Ser). In summary, the available evidence is currently insufficient to determine the role of this variant in disease. Therefore, it has been classified as a Variant of Uncertain Significance. Algorithms developed to predict the effect of missense changes on protein structure and function are either unavailable or do not agree on the potential impact of this missense change (SIFT: "Deleterious"; PolyPhen-2: "Probably Damaging"; Align-GVGD: "Class C0"). This variant has not been reported in the literature in individuals affected with MCM2-related conditions. This variant is present in population databases (rs763930660, gnomAD 0.006%).

NM_004526.4(MCM2):c.1012C>T (p.Pro338Ser)

Gene: MCM2 (minichromosome maintenance complex component 2; plus strand). Cytogenetic location: 3q21.3.
Variant type: single nucleotide variant.
Coding change: c.1012C>T on transcript NM_004526.4 (MANE Select); coding-DNA position 1012, C replaced by T.
Protein change: p.Pro338Ser; replaces proline 338 with serine.
Molecular consequence: missense variant. On other transcripts: non-coding transcript variant (1).
Genome position (GRCh38, 1-based): chr3:127,606,728, C>T. VCF-style: chr3-127606728-C-T. GRCh37 (hg19) VCF-style: chr3-127325571-C-T.
Other names: short protein forms P338S.
Identifiers: ClinVar variation 1932877 (VCV001932877.5), dbSNP rs763930660, ClinGen allele CA2595767.